The following is an entry in ClinVar:

NM_022455.5(NSD1):c.7663G>A (p.Ala2555Thr)

Gene: NSD1 (nuclear receptor binding SET domain protein 1; plus strand). Cytogenetic location: 5q35.3.
Variant type: single nucleotide variant.
Coding change: c.7663G>A on transcript NM_022455.5 (MANE Select); coding-DNA position 7663, G replaced by A.
Protein change: p.Ala2555Thr; replaces alanine 2555 with threonine.
Molecular consequence: missense variant.
Genome position (GRCh38, 1-based): chr5:177,295,031, G>A. VCF-style: chr5-177295031-G-A. GRCh37 (hg19) VCF-style: chr5-176722032-G-A.
Other names: c.6790G>A, p.Ala2264Thr (NM_001365684.2, NM_001409308.1, NM_172349.5); c.7663G>A, p.Ala2555Thr (NM_001409301.1, NM_001409302.1, NM_001409303.1); c.7243G>A, p.Ala2415Thr (NM_001409304.1); c.6910G>A, p.Ala2304Thr (NM_001409305.1); c.6901G>A, p.Ala2301Thr (NM_001409306.1, NM_001409307.1); c.6541G>A, p.Ala2181Thr (NM_001409309.1); short protein forms A2286T, A2555T, A2415T, A2181T, A2264T, A2301T, A2304T.
Identifiers: ClinVar variation 1379004 (VCV001379004.6), dbSNP rs1450153384, ClinGen allele CA362333920.

ClinVar aggregate classification (germline): Uncertain significance (1 of 4 stars; one submission).

Allele frequency attached by ClinVar (database versions not stated): gnomAD exomes below 0.00001.
gnomAD v4.1: 1 of 1,614,174 alleles (0.000062%); highest among the groups gnomAD compares: Non-Finnish European, 0.000085%; no homozygotes.

Submission:

Labcorp Genetics (formerly Invitae), Labcorp
Classification: Uncertain significance. Last evaluated: 2022-09-06. Review status: criteria provided, single submitter. Criteria: Invitae Variant Classification Sherloc (09022015). Collection method: clinical testing. Allele origin: germline.
Comment: In summary, the available evidence is currently insufficient to determine the role of this variant in disease. Therefore, it has been classified as a Variant of Uncertain Significance. Advanced modeling of protein sequence and biophysical properties (such as structural, functional, and spatial information, amino acid conservation, physicochemical variation, residue mobility, and thermodynamic stability) performed at Invitae indicates that this missense variant is not expected to disrupt NSD1 protein function. ClinVar contains an entry for this variant (Variation ID: 1379004). This variant has not been reported in the literature in individuals affected with NSD1-related conditions. This variant is not present in population databases (gnomAD no frequency). This sequence change replaces alanine, which is neutral and non-polar, with threonine, which is neutral and polar, at codon 2555 of the NSD1 protein (p.Ala2555Thr).